The following is an entry in ClinVar:

NM_144585.4(SLC22A12):c.268C>T (p.Arg90Cys)

Gene: SLC22A12 (solute carrier family 22 member 12; plus strand). Cytogenetic location: 11q13.1.
Variant type: single nucleotide variant.
Coding change: c.268C>T on transcript NM_144585.4 (MANE Select); coding-DNA position 268, C replaced by T.
Protein change: p.Arg90Cys; replaces arginine 90 with cysteine.
Molecular consequence: missense variant. On other transcripts: 5 prime UTR variant (1).
Genome position (GRCh38, 1-based): chr11:64,591,824, C>T. VCF-style: chr11-64591824-C-T. GRCh37 (hg19) VCF-style: chr11-64359296-C-T.
Other names: c.268C>T, p.Arg90Cys (NM_001276326.2, NM_001276327.2); c.-241C>T (NM_153378.3); short protein forms R90C.
Identifiers: ClinVar variation 1924045 (VCV001924045.5), dbSNP rs759293917, ClinGen allele CA6077015.

ClinVar aggregate classification (germline): Uncertain significance (1 of 4 stars; one submission).

Allele frequency attached by ClinVar (database versions not stated): ExAC 0.00001; gnomAD 0.00001; TOPMed 0.00001; gnomAD exomes 0.00002.
gnomAD v4.1: 25 of 1,612,064 alleles (0.0016%); highest among the groups gnomAD compares: Middle Eastern, 0.016%; no homozygotes.

Submission:

Labcorp Genetics (formerly Invitae), Labcorp
Classification: Uncertain significance. Last evaluated: 2022-02-19. Review status: criteria provided, single submitter. Criteria: Invitae Variant Classification Sherloc (09022015). Collection method: clinical testing. Allele origin: germline.
Comment: This sequence change replaces arginine, which is basic and polar, with cysteine, which is neutral and slightly polar, at codon 90 of the SLC22A12 protein (p.Arg90Cys). This variant is present in population databases (rs759293917, gnomAD 0.003%). This variant has not been reported in the literature in individuals affected with SLC22A12-related conditions. Algorithms developed to predict the effect of missense changes on protein structure and function output the following: SIFT: "Deleterious"; PolyPhen-2: "Benign"; Align-GVGD: "Class C0". The cysteine amino acid residue is found in multiple mammalian species, which suggests that this missense change does not adversely affect protein function. This variant disrupts the p.Arg90 amino acid residue in SLC22A12. Other variant(s) that disrupt this residue have been determined to be pathogenic (PMID: 15741204, 16703794, 18492088, 30097038). This suggests that this residue is clinically significant, and that variants that disrupt this residue are likely to be disease-causing. In summary, the available evidence is currently insufficient to determine the role of this variant in disease. Therefore, it has been classified as a Variant of Uncertain Significance.

Literature cited by the submitters: PubMed 15741204; PubMed 16703794; PubMed 18492088; PubMed 30097038.